The following is an entry in ClinVar:

NM_001035.3(RYR2):c.13901T>C (p.Val4634Ala)

Gene: RYR2 (ryanodine receptor 2; plus strand). Cytogenetic location: 1q43.
Variant type: single nucleotide variant.
Coding change: c.13901T>C on transcript NM_001035.3 (MANE Select); coding-DNA position 13901, T replaced by C.
Protein change: p.Val4634Ala; replaces valine 4634 with alanine.
Molecular consequence: missense variant.
Genome position (GRCh38, 1-based): chr1:237,793,985, T>C. VCF-style: chr1-237793985-T-C. GRCh37 (hg19) VCF-style: chr1-237957285-T-C.
Other names: short protein forms V4634A.
Identifiers: ClinVar variation 948734 (VCV000948734.16), dbSNP rs1384324063, ClinGen allele CA345418404.

ClinVar aggregate classification (germline): Uncertain significance. Review status: criteria provided, multiple submitters, no conflicts (2 of 4 stars). 4 submissions from 4 submitters: Uncertain significance (4). Last evaluated 2026-01-14.

Conditions:
Catecholaminergic polymorphic ventricular tachycardia 1. Also called: VENTRICULAR TACHYCARDIA, CATECHOLAMINERGIC POLYMORPHIC, 1, WITH OR WITHOUT ATRIAL DYSFUNCTION AND/OR DILATED CARDIOMYOPATHY; VENTRICULAR TACHYCARDIA, STRESS-INDUCED POLYMORPHIC 1; RYR2-Related Catecholaminergic Polymorphic Ventricular Tachycardia. Identifiers: Orphanet 3286, MedGen C1631597, MONDO:0011484, OMIM 604772.
Catecholaminergic polymorphic ventricular tachycardia (CVPT). Also called: Catecholamine-induced polymorphic ventricular tachycardia. Identifiers: Orphanet 3286, MedGen C5574922, MONDO:0017990.
Cardiomyopathy (CMYO). Also called: Cardiomyopathies. Identifiers: Orphanet 167848, MedGen C0878544, MONDO:0004994, HP:0001638. Inheritance: Various modes of inheritance.

Allele frequency attached by ClinVar (database versions not stated): gnomAD exomes 0.00001.
gnomAD v4.1: 11 of 1,611,358 alleles (0.00068%); highest among the groups gnomAD compares: Middle Eastern, 0.05%; no homozygotes.

Submissions (4):

Labcorp Genetics (formerly Invitae), Labcorp
Classification: Uncertain significance for Catecholaminergic polymorphic ventricular tachycardia 1. Last evaluated: 2026-01-14. Review status: criteria provided, single submitter. Criteria: Invitae Variant Classification Sherloc (09022015). Collection method: clinical testing. Allele origin: germline.
Comment: This sequence change replaces valine, which is neutral and non-polar, with alanine, which is neutral and non-polar, at codon 4634 of the RYR2 protein (p.Val4634Ala). This variant is not present in population databases (gnomAD no frequency). This missense change has been observed in individual(s) with RYR2-related conditions (PMID: 35348702). This variant is also known as c.13919T>C (p.Val4640Ala). ClinVar contains an entry for this variant (Variation ID: 948734). An algorithm developed to predict the effect of missense changes on protein structure and function outputs the following: PolyPhen-2: "Benign". The alanine amino acid residue is found in multiple mammalian species, which suggests that this missense change does not adversely affect protein function. In summary, the available evidence is currently insufficient to determine the role of this variant in disease. Therefore, it has been classified as a Variant of Uncertain Significance.

Color Diagnostics, LLC DBA Color Health
Classification: Uncertain significance for Cardiomyopathy. Last evaluated: 2025-07-10. Review status: criteria provided, single submitter. Criteria: ACMG Guidelines, 2015. Collection method: clinical testing. Allele origin: germline.
Comment: This missense variant replaces valine with alanine at codon 4634 of the RYR2 protein. Computational prediction is inconclusive regarding the impact of this variant on protein structure and function. To our knowledge, functional studies have not been reported for this variant. This variant has not been reported in individuals affected with RYR2-related disorders in the literature. This variant has not been identified in the general population by the Genome Aggregation Database (gnomAD). The available evidence is insufficient to determine the role of this variant in disease conclusively. Therefore, this variant is classified as a Variant of Uncertain Significance.

All of Us Research Program, National Institutes of Health
Classification: Uncertain significance for Catecholaminergic polymorphic ventricular tachycardia. Last evaluated: 2023-06-08. Review status: criteria provided, single submitter. Criteria: ACMG Guidelines, 2015. Collection method: clinical testing. Allele origin: germline. Inheritance: Autosomal dominant inheritance. Observed: 1 variant allele, 1 heterozygote.
Comment: This missense variant replaces valine with alanine at codon 4634 of the RYR2 protein. Computational prediction is inconclusive regarding the impact of this variant on protein structure and function (internally defined REVEL score threshold 0.5 < inconclusive < 0.7, PMID: 27666373). To our knowledge, functional studies have not been reported for this variant. This variant has not been reported in individuals affected with cardiovascular disorders in the literature. This variant has not been identified in the general population by the Genome Aggregation Database (gnomAD). The available evidence is insufficient to determine the role of this variant in disease conclusively. Therefore, this variant is classified as a Variant of Uncertain Significance.

This study involves interpretation of variants in research participants for the purpose of population health screening. Participant phenotype was not available at the time of variant classification. Additional details can be found in publication PMID: 35346344, PMCID: PMC8962531

Dubai Health Genomic Medicine Center, Dubai Health
Classification: Uncertain significance. Last evaluated: 2020-03-19. Review status: criteria provided, single submitter. Criteria: ACMG Guidelines, 2015. Collection method: clinical testing. Allele origin: germline. Affected: yes.

Literature cited by the submitters: PubMed 35348702 (cited by Labcorp Genetics (formerly Invitae), Labcorp).